The following is an entry in ClinVar:

NM_032043.3(BRIP1):c.2027T>G (p.Val676Gly)

Gene: BRIP1 (BRCA1 interacting DNA helicase 1; minus strand). Cytogenetic location: 17q23.2.
Variant type: single nucleotide variant.
Coding change: c.2027T>G on transcript NM_032043.3 (MANE Select); coding-DNA position 2027, T replaced by G.
Protein change: p.Val676Gly; replaces valine 676 with glycine.
Molecular consequence: missense variant.
Genome position (GRCh38, 1-based): chr17:61,776,471, A>C on the plus strand (T>G on the coding strand, the complement: BRIP1 is on the minus strand). VCF-style: chr17-61776471-A-C. GRCh37 (hg19) VCF-style: chr17-59853832-A-C.
Other names: short protein forms V676G.
Identifiers: ClinVar variation 481660 (VCV000481660.5), dbSNP rs1555601076, ClinGen allele CA400478274.

ClinVar aggregate classification (germline): Uncertain significance (1 of 4 stars; one submission).

Conditions:
Hereditary cancer-predisposing syndrome. Also called: Neoplastic Syndromes, Hereditary; Tumor predisposition; Hereditary Cancer Syndrome; Hereditary neoplastic syndrome. Identifiers: Orphanet 140162, MedGen C0027672, MeSH D009386, MONDO:0015356.

Submission:

Ambry Genetics
Classification: Uncertain significance for Hereditary cancer-predisposing syndrome. Last evaluated: 2022-03-03. Review status: criteria provided, single submitter. Criteria: Ambry Variant Classification Scheme 2023. Collection method: clinical testing. Allele origin: germline.
Comment: The p.V676G variant (also known as c.2027T>G), located in coding exon 13 of the BRIP1 gene, results from a T to G substitution at nucleotide position 2027. The valine at codon 676 is replaced by glycine, an amino acid with dissimilar properties. This amino acid position is highly conserved in available vertebrate species. In addition, this alteration is predicted to be deleterious by in silico analysis. Since supporting evidence is limited at this time, the clinical significance of this alteration remains unclear.